The following is an entry in ClinVar:

ClinVar aggregate classification (germline): Uncertain significance (1 of 4 stars; one submission).

Submission:

Labcorp Genetics (formerly Invitae), Labcorp
Classification: Uncertain significance. Last evaluated: 2025-11-28. Review status: criteria provided, single submitter. Criteria: Invitae Variant Classification Sherloc (09022015). Collection method: clinical testing. Allele origin: germline.
Comment: This sequence change replaces serine, which is neutral and polar, with cysteine, which is neutral and slightly polar, at codon 704 of the NEFH protein (p.Ser704Cys). This variant is not present in population databases (gnomAD no frequency). This variant has not been reported in the literature in individuals affected with NEFH-related conditions. Invitae Evidence Modeling of protein sequence and biophysical properties (such as structural, functional, and spatial information, amino acid conservation, physicochemical variation, residue mobility, and thermodynamic stability) indicates that this missense variant is not expected to disrupt NEFH protein function with a negative predictive value of 95%. In summary, the available evidence is currently insufficient to determine the role of this variant in disease. Therefore, it has been classified as a Variant of Uncertain Significance.

NM_021076.4(NEFH):c.2111C>G (p.Ser704Cys)

Gene: NEFH (neurofilament heavy chain; plus strand). Cytogenetic location: 22q12.2.
Variant type: single nucleotide variant.
Coding change: c.2111C>G on transcript NM_021076.4 (MANE Select); coding-DNA position 2111, C replaced by G.
Protein change: p.Ser704Cys; replaces serine 704 with cysteine.
Molecular consequence: missense variant.
Genome position (GRCh38, 1-based): chr22:29,489,751, C>G. VCF-style: chr22-29489751-C-G. GRCh37 (hg19) VCF-style: chr22-29885740-C-G.
Other names: short protein forms S704C.
Identifiers: ClinVar variation 4779641 (VCV004779641.1).
Genomic context (GRCh38, chr22:29,489,751, plus strand): 5'-TGAAGGCAGAAGCAAAGTCCCCTGAGAAGGCCAAGTCCCCAGTGAAGGAAGAAGCAAAGT[C>G]CCCTGAGAAGGCCAAGTCCCCAGTGAAGGAAGAAGCAAAGTCCCCTGAGAAGGCCAAGTC-3'
Protein context (NP_066554.2, residues 694-714): AKSPVKEEAK[Ser704Cys]PEKAKSPVKE